The following is an entry in ClinVar:

NM_000094.4(COL7A1):c.1216G>A (p.Ala406Thr)

Gene: COL7A1 (collagen type VII alpha 1 chain; minus strand). Cytogenetic location: 3p21.31.
Variant type: single nucleotide variant.
Coding change: c.1216G>A on transcript NM_000094.4 (MANE Select); coding-DNA position 1216, G replaced by A.
Protein change: p.Ala406Thr; replaces alanine 406 with threonine.
Molecular consequence: missense variant.
Genome position (GRCh38, 1-based): chr3:48,592,126, C>T on the plus strand (G>A on the coding strand, the complement: COL7A1 is on the minus strand). VCF-style: chr3-48592126-C-T. GRCh37 (hg19) VCF-style: chr3-48629559-C-T.
Other names: short protein forms A406T.
Identifiers: ClinVar variation 1990923 (VCV001990923.4), dbSNP rs760362837, ClinGen allele CA73992155.
Genomic context (GRCh38, chr3:48,592,126, plus strand): 5'-CCGTCCCAGCCTGAAGAAAGTGCCCAGCCTTCTCACCAGTGCGAGCCATCAGGGAAGTGG[C>T]GGGCCCCACACTGCGGCCAAATAGGGTGCTCACGGTCACCTCATAGTCCGTGCCAGGCTC-3'
Protein context (NP_000085.1, residues 396-416): STLFGRSVGP[Ala406Thr]TSLMARTDAS

ClinVar aggregate classification (germline): Uncertain significance (1 of 4 stars; one submission).

Allele frequency attached by ClinVar (database versions not stated): gnomAD exomes below 0.00001; TOPMed below 0.00001.
gnomAD v4.1: 5 of 1,614,064 alleles (0.00031%); highest among the groups gnomAD compares: Admixed American, 0.0017%; no homozygotes.

Submission:

Labcorp Genetics (formerly Invitae), Labcorp
Classification: Uncertain significance. Last evaluated: 2025-04-30. Review status: criteria provided, single submitter. Criteria: Invitae Variant Classification Sherloc (09022015). Collection method: clinical testing. Allele origin: germline.
Comment: This sequence change replaces alanine, which is neutral and non-polar, with threonine, which is neutral and polar, at codon 406 of the COL7A1 protein (p.Ala406Thr). This variant is present in population databases (no rsID available, gnomAD 0.003%). This variant has not been reported in the literature in individuals affected with COL7A1-related conditions. ClinVar contains an entry for this variant (Variation ID: 1990923). Invitae Evidence Modeling of protein sequence and biophysical properties (such as structural, functional, and spatial information, amino acid conservation, physicochemical variation, residue mobility, and thermodynamic stability) indicates that this missense variant is not expected to disrupt COL7A1 protein function with a negative predictive value of 95%. In summary, the available evidence is currently insufficient to determine the role of this variant in disease. Therefore, it has been classified as a Variant of Uncertain Significance.